The following is an entry in ClinVar:

ClinVar aggregate classification (germline): Uncertain significance (1 of 4 stars; one submission).

Conditions:
Familial cancer of breast. Also called: hereditary breast carcinoma; BREAST CANCER, FAMILIAL; Hereditary breast cancer. Identifiers: Orphanet 227535, MedGen C0346153, MONDO:0016419, OMIM 114480. Disease mechanism: loss of function.
Fanconi anemia complementation group J. Also called: BRIP1-Related Fanconi Anemia. Identifiers: Orphanet 84, MedGen C1836860, MONDO:0012187, OMIM 609054.

Submission:

Labcorp Genetics (formerly Invitae), Labcorp
Classification: Uncertain significance for Familial cancer of breast; Fanconi anemia complementation group J. Last evaluated: 2020-08-25. Review status: criteria provided, single submitter. Criteria: Invitae Variant Classification Sherloc (09022015). Collection method: clinical testing. Allele origin: germline.
Comment: In summary, the available evidence is currently insufficient to determine the role of this variant in disease. Therefore, it has been classified as a Variant of Uncertain Significance. Algorithms developed to predict the effect of missense changes on protein structure and function are either unavailable or do not agree on the potential impact of this missense change (SIFT: "Tolerated"; PolyPhen-2: "Possibly Damaging"; Align-GVGD: "Class C0"). This sequence change replaces isoleucine with arginine at codon 1016 of the BRIP1 protein (p.Ile1016Arg). The isoleucine residue is weakly conserved and there is a moderate physicochemical difference between isoleucine and arginine. This variant is not present in population databases (ExAC no frequency). This variant has not been reported in the literature in individuals with BRIP1-related conditions.

NM_032043.3(BRIP1):c.3047T>G (p.Ile1016Arg)

Gene: BRIP1 (BRCA1 interacting DNA helicase 1; minus strand). Cytogenetic location: 17q23.2.
Variant type: single nucleotide variant.
Coding change: c.3047T>G on transcript NM_032043.3 (MANE Select); coding-DNA position 3047, T replaced by G.
Protein change: p.Ile1016Arg; replaces isoleucine 1016 with arginine.
Molecular consequence: missense variant.
Genome position (GRCh38, 1-based): chr17:61,683,999, A>C on the plus strand (T>G on the coding strand, the complement: BRIP1 is on the minus strand). VCF-style: chr17-61683999-A-C. GRCh37 (hg19) VCF-style: chr17-59761360-A-C.
Other names: short protein forms I1016R.
Identifiers: ClinVar variation 1003630 (VCV001003630.9), dbSNP rs2061322186, ClinGen allele CA400479917.
Genomic context (GRCh38, chr17:61,683,999, plus strand): 5'-AAACGGGGAGGACTAGAGGCACTATTCTCTGATGACCCGAGCTCAGGTGTTGCCTTCGGT[A>C]TTTTACCAGTAAAATACTGTCCCAAAGAATTAAAGCTTGACCAGCTAACTCTCTTTGTTT-3'
Protein context (NP_114432.2, residues 1006-1026): NSLGQYFTGK[Ile1016Arg]PKATPELGSS